The following is an entry in ClinVar:

NM_024675.4(PALB2):c.2514+1G>A

Gene: PALB2 (partner and localizer of BRCA2; minus strand). Cytogenetic location: 16p12.2.
Variant type: single nucleotide variant.
Coding change: c.2514+1G>A on transcript NM_024675.4 (MANE Select); the canonical splice donor site of the intron after coding-DNA position 2514, G replaced by A.
Molecular consequence: splice donor variant. On other transcripts: intron variant (1).
Genome position (GRCh38, 1-based): chr16:23,629,639, C>T on the plus strand (G>A on the coding strand, the complement: PALB2 is on the minus strand). VCF-style: chr16-23629639-C-T. GRCh37 (hg19) VCF-style: chr16-23640960-C-T.
Other names: c.1629+1G>A (NM_001407308.1, NM_001407306.1, NM_001407307.1 and 5 more transcripts); c.49-364G>A (NM_001407314.1); c.726+1G>A (NM_001407313.1, NM_001407312.1); c.2454+1G>A (NM_001407296.1); c.2514+1G>A (NM_001407297.1, NM_001407302.1, NM_001407298.1 and 3 more transcripts).
Identifiers: ClinVar variation 862466 (VCV000862466.20), dbSNP rs886039729, ClinGen allele CA395123914.
Genomic context (GRCh38, chr16:23,629,639, plus strand): 5'-TTACATTCACTAAGGCATTTCATTCCTTCAGAGAAAATTTCACAGAGGAAATGGATTGTA[C>T]CTGTTCGACGGAATGTTTATGCAGCTCCTGGCATGTGTTTCTACAGAGCTGATTTTCTTT-3'

ClinVar aggregate classification (germline): Pathogenic/Likely pathogenic. Review status: criteria provided, multiple submitters, no conflicts (2 of 4 stars). 6 submissions from 6 submitters: Pathogenic (1); Likely pathogenic (5). Last evaluated 2025-12-29.

Conditions:
Hereditary cancer-predisposing syndrome. Also called: Tumor predisposition; Hereditary Cancer Syndrome; Neoplastic Syndromes, Hereditary; Hereditary neoplastic syndrome. Identifiers: Orphanet 140162, MedGen C0027672, MeSH D009386, MONDO:0015356.
Familial cancer of breast. Also called: BREAST CANCER, FAMILIAL; Hereditary breast cancer; hereditary breast carcinoma. Identifiers: Orphanet 227535, MedGen C0346153, MONDO:0016419, OMIM 114480. Disease mechanism: loss of function.
PALB2-related cancer predisposition. Identifiers: MedGen CN377761, MONDO:0700272.

Submissions (6):

Hema, HEMA – Genetic and Molecular Diagnostic Laboratory
Classification: Pathogenic for PALB2-related cancer predisposition. Last evaluated: 2025-12-29. Review status: criteria provided, single submitter. Criteria: HEMA Variant Classification Assertion Criteria. Collection method: clinical testing. Allele origin: germline.
Comment: The c.2514+1G>A variant is a transition from guanine to adenine that affects the donor splice site of intron 5 of the PALB2 gene. PVS1: Variant at the donor splice site (+1) of intron 5 of PALB2. It is predicted to result in the skipping of a biologically relevant exon, causing a frameshift, introduction of a premature stop codon, and nonsense-mediated decay (NMD) of the transcript in a gene for which loss of function is a disease mechanism. PM2_Supporting: Absent in the gnomAD v4.1.0 database. PS1_Supporting: Variant in a donor splice dinucleotide where other variants in the same dinucleotide are classified as pathogenic and are predicted to have a similar effect on splicing (c.2514+1G>C, c.2514+2T>C).

Dasa
Classification: Likely pathogenic. Last evaluated: 2025-12-26. Review status: criteria provided, single submitter. Criteria: DASA Assertion Criteria. Collection method: clinical testing. Allele origin: germline.
Comment: NM_024675.4(PALB2):c.2514+1G>A affects a canonical splice site and is predicted to disrupt normal RNA splicing. Loss of function is an established disease mechanism for PALB2 (PMID: 17200668; PMID: 25099575; PMID: 31841383). Also, this variant is rare in population databases. Based on the currently available evidence, this variant is classified as likely pathogenic.

Ambry Genetics
Classification: Likely pathogenic for Hereditary cancer-predisposing syndrome. Last evaluated: 2025-09-05. Review status: criteria provided, single submitter. Criteria: Ambry Variant Classification Scheme 2023. Collection method: clinical testing. Allele origin: germline.
Comment: The c.2514+1G>A intronic variant results from a G to A substitution one nucleotide after coding exon 5 of the PALB2 gene. This nucleotide position is highly conserved in available vertebrate species. In silico splice site analysis predicts that this alteration will weaken the native splice donor site; however, direct evidence is insufficient at this time (Ambry internal data). This variant is considered to be rare based on population cohorts in the Genome Aggregation Database (gnomAD). Alterations that disrupt the canonical splice site are expected to cause aberrant splicing, resulting in an abnormal protein or a transcript that is subject to nonsense-mediated mRNA decay. As such, this alteration is classified as likely pathogenic.

Labcorp Genetics (formerly Invitae), Labcorp
Classification: Likely pathogenic for Familial cancer of breast. Last evaluated: 2024-10-06. Review status: criteria provided, single submitter. Criteria: Invitae Variant Classification Sherloc (09022015). Collection method: clinical testing. Allele origin: germline.
Comment: This sequence change affects a donor splice site in intron 5 of the PALB2 gene. It is expected to disrupt RNA splicing. Variants that disrupt the donor or acceptor splice site typically lead to a loss of protein function (PMID: 16199547), and loss-of-function variants in PALB2 are known to be pathogenic (PMID: 17200668, 17200671, 17200672, 24136930, 25099575). This variant is not present in population databases (gnomAD no frequency). This variant has not been reported in the literature in individuals affected with PALB2-related conditions. ClinVar contains an entry for this variant (Variation ID: 862466). Algorithms developed to predict the effect of sequence changes on RNA splicing suggest that this variant may disrupt the consensus splice site. In summary, the currently available evidence indicates that the variant is pathogenic, but additional data are needed to prove that conclusively. Therefore, this variant has been classified as Likely Pathogenic.

Color Diagnostics, LLC DBA Color Health
Classification: Likely pathogenic for Hereditary cancer-predisposing syndrome. Last evaluated: 2023-10-16. Review status: criteria provided, single submitter. Criteria: ACMG Guidelines, 2015. Collection method: clinical testing. Allele origin: germline.
Comment: This variant causes a G>A nucleotide substitution at the +1 position of intron 5 of the PALB2 gene. Splice site prediction tools predict that this variant may have a significant impact on RNA splicing. Although this prediction has not been confirmed in published RNA studies, this variant is expected to result in an absent or disrupted protein product. This variant has not been reported in individuals affected with hereditary cancer in the literature. A similar canonical splice variant at this donor site, c.2514+2T>C, has been reported in an individual affected with breast cancer (PMID: 30287823) and has been reported with aberrant splicing in MutSpliceDB. This variant has not been identified in the general population by the Genome Aggregation Database (gnomAD). Loss of PALB2 function is a known mechanism of disease. Based on the available evidence, this variant is classified as Likely Pathogenic.

Myriad Genetics, Inc.
Classification: Likely pathogenic for Familial cancer of breast. Last evaluated: 2023-09-13. Review status: criteria provided, single submitter. Criteria: Myriad Autosomal Dominant, Autosomal Recessive and X-Linked Classification Criteria (2023). Collection method: clinical testing. Allele origin: unknown.
Comment: This variant is considered likely pathogenic. This variant occurs within a consensus splice junction and is predicted to result in abnormal mRNA splicing of either an out-of-frame exon or an in-frame exon necessary for protein stability and/or normal function.

Literature cited by the submitters: PubMed 17200668 (cited by Dasa and Labcorp Genetics (formerly Invitae), Labcorp); PubMed 25099575 (cited by Dasa and Labcorp Genetics (formerly Invitae), Labcorp); PubMed 31841383 (cited by Dasa); PubMed 16199547 (cited by Labcorp Genetics (formerly Invitae), Labcorp); PubMed 17200671 (cited by Labcorp Genetics (formerly Invitae), Labcorp); PubMed 17200672 (cited by Labcorp Genetics (formerly Invitae), Labcorp); PubMed 24136930 (cited by Labcorp Genetics (formerly Invitae), Labcorp); PubMed 30287823 (cited by Color Diagnostics, LLC DBA Color Health).